The following is an entry in ClinVar:

NM_000053.4(ATP7B):c.1670A>G (p.Glu557Gly)

Gene: ATP7B (ATPase copper transporting beta; minus strand). Cytogenetic location: 13q14.3.
Variant type: single nucleotide variant.
Coding change: c.1670A>G on transcript NM_000053.4 (MANE Select); coding-DNA position 1670, A replaced by G.
Protein change: p.Glu557Gly; replaces glutamic acid 557 with glycine.
Molecular consequence: missense variant.
Genome position (GRCh38, 1-based): chr13:51,968,481, T>C on the plus strand (A>G on the coding strand, the complement: ATP7B is on the minus strand). VCF-style: chr13-51968481-T-C. GRCh37 (hg19) VCF-style: chr13-52542617-T-C.
Other names: c.1574A>G, p.Glu525Gly (NM_001406517.1, NM_001406518.1, NM_001406543.1 and 3 more transcripts); c.1670A>G, p.Glu557Gly (NM_001406519.1, NM_001406520.1, NM_001406521.1 and 26 more transcripts); c.1637A>G, p.Glu546Gly (NM_001406524.1, NM_001406514.1); c.1241A>G, p.Glu414Gly (NM_001406539.1); c.1337A>G, p.Glu446Gly (NM_001243182.2); short protein forms E414G, E546G, E557G, E446G, E525G.
Identifiers: ClinVar variation 1899450 (VCV001899450.5), dbSNP rs769605349, ClinGen allele CA6989281.

ClinVar aggregate classification (germline): Uncertain significance (1 of 4 stars; one submission).

Conditions:
Wilson disease (WND). Also called: Wilson's disease. Identifiers: Orphanet 905, MedGen C0019202, MONDO:0010200, OMIM 277900. Disease mechanism: loss of function.

Allele frequency attached by ClinVar (database versions not stated): gnomAD exomes below 0.00001; ExAC 0.00001.
gnomAD v4.1: 1 of 1,614,158 alleles (0.000062%); highest among the groups gnomAD compares: Middle Eastern, 0.016%; no homozygotes.

Submission:

Labcorp Genetics (formerly Invitae), Labcorp
Classification: Uncertain significance for Wilson disease. Last evaluated: 2022-06-04. Review status: criteria provided, single submitter. Criteria: Invitae Variant Classification Sherloc (09022015). Collection method: clinical testing. Allele origin: germline.
Comment: In summary, the available evidence is currently insufficient to determine the role of this variant in disease. Therefore, it has been classified as a Variant of Uncertain Significance. Advanced modeling of protein sequence and biophysical properties (such as structural, functional, and spatial information, amino acid conservation, physicochemical variation, residue mobility, and thermodynamic stability) performed at Invitae indicates that this missense variant is expected to disrupt ATP7B protein function. This variant has not been reported in the literature in individuals affected with ATP7B-related conditions. This variant is present in population databases (rs769605349, gnomAD 0.0009%). This sequence change replaces glutamic acid, which is acidic and polar, with glycine, which is neutral and non-polar, at codon 557 of the ATP7B protein (p.Glu557Gly).